The following is an entry in ClinVar:

NM_001166114.2(PNPLA6):c.3429G>A (p.Thr1143=)

Gene: PNPLA6 (patatin like domain 6, lysophospholipase; plus strand). Cytogenetic location: 19p13.2.
Variant type: single nucleotide variant.
Coding change: c.3429G>A on transcript NM_001166114.2 (MANE Select); coding-DNA position 3429, G replaced by A.
Protein change: p.Thr1143=; no amino-acid change (threonine 1143 retained).
Molecular consequence: synonymous variant.
Genome position (GRCh38, 1-based): chr19:7,558,881, G>A. VCF-style: chr19-7558881-G-A. GRCh37 (hg19) VCF-style: chr19-7623767-G-A.
Other names: p.Thr1105=; c.3459G>A, p.Thr1153= (NM_001166111.2); c.3234G>A, p.Thr1078= (NM_001166112.2); c.3315G>A, p.Thr1105= (NM_001166113.1, NM_006702.5).
Identifiers: ClinVar variation 1144699 (VCV001144699.10), dbSNP rs373083668, ClinGen allele CA9140488.

ClinVar aggregate classification (germline): Likely benign. Review status: criteria provided, multiple submitters, no conflicts (2 of 4 stars). 2 submissions from 2 submitters: Likely benign (2). Last evaluated 2025-11-27.

Conditions:
Hereditary spastic paraplegia 39 (SPG39). Also called: Spastic Paraplegia Type 39 (SPG39); SPASTIC PARAPLEGIA 39, AUTOSOMAL RECESSIVE. Identifiers: Orphanet 139480, MedGen C2677586, MONDO:0012787, OMIM 612020.

Allele frequency attached by ClinVar (database versions not stated): ExAC 0.00003; ESP Exome Variant Server 0.00015.
gnomAD v4.1: 20 of 1,612,606 alleles (0.0012%); highest among the groups gnomAD compares: African/African-American, 0.015%; no homozygotes.

Submissions (2):

Mayo Clinic Laboratories, Mayo Clinic
Classification: Likely benign. Last evaluated: 2025-11-27. Review status: criteria provided, single submitter. Criteria: ACMG Guidelines, 2015. Collection method: clinical testing. Allele origin: germline. Observed: 1 variant allele.
Comment: BP4, BP7

Labcorp Genetics (formerly Invitae), Labcorp
Classification: Likely benign for Hereditary spastic paraplegia 39. Last evaluated: 2025-10-15. Review status: criteria provided, single submitter. Criteria: Invitae Variant Classification Sherloc (09022015). Collection method: clinical testing. Allele origin: germline.